The following is an entry in ClinVar:

NM_000159.4(GCDH):c.1033C>G (p.Leu345Val)

Gene: GCDH (glutaryl-CoA dehydrogenase; plus strand). Cytogenetic location: 19p13.13.
Variant type: single nucleotide variant.
Coding change: c.1033C>G on transcript NM_000159.4 (MANE Select); coding-DNA position 1033, C replaced by G.
Protein change: p.Leu345Val; replaces leucine 345 with valine.
Molecular consequence: missense variant. On other transcripts: non-coding transcript variant (2).
Genome position (GRCh38, 1-based): chr19:12,897,379, C>G. VCF-style: chr19-12897379-C-G. GRCh37 (hg19) VCF-style: chr19-13008193-C-G.
Other names: c.1033C>G, p.Leu345Val (NM_013976.5); short protein forms L345V.
Identifiers: ClinVar variation 850066 (VCV000850066.12), dbSNP rs1970708854, ClinGen allele CA404320137.

ClinVar aggregate classification (germline): Uncertain significance (1 of 4 stars; one submission).

Conditions:
Glutaric aciduria, type 1. Also called: Glutaryl-CoA dehydrogenase deficiency; Glutaric Acidemia Type 1; GA I; Glutaricacidemia Type 1; Glutaric acidemia type I; Glutaricaciduria, type I. Identifiers: Orphanet 25, MedGen C0268595, MONDO:0009281, OMIM 231670.

Submission:

Labcorp Genetics (formerly Invitae), Labcorp
Classification: Uncertain significance for Glutaric aciduria, type 1. Last evaluated: 2020-02-21. Review status: criteria provided, single submitter. Criteria: Invitae Variant Classification Sherloc (09022015). Collection method: clinical testing. Allele origin: germline.
Comment: This sequence change replaces leucine with valine at codon 345 of the GCDH protein (p.Leu345Val). The leucine residue is moderately conserved and there is a small physicochemical difference between leucine and valine. This variant is not present in population databases (ExAC no frequency). This variant has been observed in individual(s) with clinical features of glutaric aciduria type 1 (Invitae). In at least one individual the data is consistent with the variant being in trans (on the opposite chromosome) from a pathogenic variant. Algorithms developed to predict the effect of missense changes on protein structure and function (SIFT, PolyPhen-2, Align-GVGD) all suggest that this variant is likely to be tolerated, but these predictions have not been confirmed by published functional studies and their clinical significance is uncertain. In summary, the available evidence is currently insufficient to determine the role of this variant in disease. Therefore, it has been classified as a Variant of Uncertain Significance.